The following is an entry in ClinVar:

ClinVar aggregate classification (germline): Likely pathogenic (1 of 4 stars; one submission).

Submission:

Labcorp Genetics (formerly Invitae), Labcorp
Classification: Likely pathogenic. Last evaluated: 2022-08-29. Review status: criteria provided, single submitter. Criteria: Invitae Variant Classification Sherloc (09022015). Collection method: clinical testing. Allele origin: germline.
Comment: Algorithms developed to predict the effect of missense changes on protein structure and function are either unavailable or do not agree on the potential impact of this missense change (SIFT: "Deleterious"; PolyPhen-2: "Probably Damaging"; Align-GVGD: "Class C0"). ClinVar contains an entry for this variant (Variation ID: 966805). This missense change has been observed in individual(s) with clinical features of inherited retinal dystrophy (PMID: 30029497, 32675063; Invitae). In at least one individual the data is consistent with being in trans (on the opposite chromosome) from a pathogenic variant. This variant is not present in population databases (gnomAD no frequency). This sequence change replaces proline, which is neutral and non-polar, with leucine, which is neutral and non-polar, at codon 4741 of the USH2A protein (p.Pro4741Leu). In summary, the currently available evidence indicates that the variant is pathogenic, but additional data are needed to prove that conclusively. Therefore, this variant has been classified as Likely Pathogenic.

Literature cited by the submitters: PubMed 30029497; PubMed 32675063.

NM_206933.4(USH2A):c.14222C>T (p.Pro4741Leu)

Gene: USH2A (usherin; minus strand). Cytogenetic location: 1q41.
Variant type: single nucleotide variant.
Coding change: c.14222C>T on transcript NM_206933.4 (MANE Select); coding-DNA position 14222, C replaced by T.
Protein change: p.Pro4741Leu; replaces proline 4741 with leucine.
Molecular consequence: missense variant.
Genome position (GRCh38, 1-based): chr1:215,650,713, G>A on the plus strand (C>T on the coding strand, the complement: USH2A is on the minus strand). VCF-style: chr1-215650713-G-A. GRCh37 (hg19) VCF-style: chr1-215824055-G-A.
Other names: short protein forms P4741L.
Identifiers: ClinVar variation 966805 (VCV000966805.9), dbSNP rs1657042446, ClinGen allele CA344835622.